The following is an entry in ClinVar:

NM_001035.3(RYR2):c.1243A>G (p.Thr415Ala)

Gene: RYR2 (ryanodine receptor 2; plus strand). Cytogenetic location: 1q43.
Variant type: single nucleotide variant.
Coding change: c.1243A>G on transcript NM_001035.3 (MANE Select); coding-DNA position 1243, A replaced by G.
Protein change: p.Thr415Ala; replaces threonine 415 with alanine.
Molecular consequence: missense variant.
Genome position (GRCh38, 1-based): chr1:237,445,473, A>G. VCF-style: chr1-237445473-A-G. GRCh37 (hg19) VCF-style: chr1-237608773-A-G.
Other names: c.1243A>G, p.Thr415Ala (LRG_402t1); short protein forms T415A.
Identifiers: ClinVar variation 463554 (VCV000463554.58), dbSNP rs545357663, ClinGen allele CA085184.

ClinVar aggregate classification (germline): Likely benign. Review status: criteria provided, multiple submitters, no conflicts (2 of 4 stars). 4 submissions from 4 submitters: Likely benign (4). Last evaluated 2026-01-28.

Conditions:
Cardiovascular phenotype. Identifiers: MedGen CN230736.
Cardiomyopathy (CMYO). Also called: Cardiomyopathies. Identifiers: Orphanet 167848, MedGen C0878544, MONDO:0004994, HP:0001638. Inheritance: Various modes of inheritance.
Catecholaminergic polymorphic ventricular tachycardia 1. Also called: VENTRICULAR TACHYCARDIA, STRESS-INDUCED POLYMORPHIC 1; VENTRICULAR TACHYCARDIA, CATECHOLAMINERGIC POLYMORPHIC, 1, WITH OR WITHOUT ATRIAL DYSFUNCTION AND/OR DILATED CARDIOMYOPATHY; RYR2-Related Catecholaminergic Polymorphic Ventricular Tachycardia. Identifiers: Orphanet 3286, MedGen C1631597, MONDO:0011484, OMIM 604772.

Allele frequency attached by ClinVar (database versions not stated): gnomAD below 0.00001 and 0.00007; TOPMed 0.00002; gnomAD exomes 0.00011 and 0.00014; ExAC 0.00015; 1000 Genomes Project 30x 0.00078; 1000 Genomes Project 0.00080.
gnomAD v4.1: 174 of 1,613,786 alleles (0.011%); highest among the groups gnomAD compares: South Asian, 0.18%; no homozygotes.

Submissions (4):

Labcorp Genetics (formerly Invitae), Labcorp
Classification: Likely benign for Catecholaminergic polymorphic ventricular tachycardia 1. Last evaluated: 2026-01-28. Review status: criteria provided, single submitter. Criteria: Invitae Variant Classification Sherloc (09022015). Collection method: clinical testing. Allele origin: germline.

Ambry Genetics
Classification: Likely benign for Cardiovascular phenotype. Last evaluated: 2022-02-03. Review status: criteria provided, single submitter. Criteria: Ambry Variant Classification Scheme 2023. Collection method: clinical testing. Allele origin: germline.

Laboratory for Molecular Medicine, Mass General Brigham Personalized Medicine
Classification: Likely benign. Last evaluated: 2019-07-26. Review status: criteria provided, single submitter. Criteria: ACMG Guidelines, 2015. Collection method: clinical testing. Allele origin: germline.
Comment: The p.Thr415Ala variant in RYR2 is classified as likely benign because it has been identified in 0.11% (34/30602) of East Asian chromosomes by gnomAD. ACMG/AMP Criteria applied: BS1.

Color Diagnostics, LLC DBA Color Health
Classification: Likely benign for Cardiomyopathy. Last evaluated: 2019-05-05. Review status: criteria provided, single submitter. Criteria: ACMG Guidelines, 2015. Collection method: clinical testing. Allele origin: germline.
Comment: This missense variant replaces threonine with alanine at codon 415 of the RYR2 protein. Computational prediction tools and conservation analyses are inconclusive regarding the impact of this variant on the protein function. Computational splicing tools suggest that this variant may not impact RNA splicing. To our knowledge, functional assays have not been performed for this variant nor has the variant been reported in individuals affected with cardiovascular disease in the literature. This variant has been identified in 34/30602 South Asian chromosomes (0.11%) in the general population by the Genome Aggregation Database (gnomAD). This variant allele frequency is greater than expected for disease based on prevalence, penetrance, and genetic heterogeneity. Based on available evidence, this variant is classified as Likely Benign.